The following is an entry in ClinVar:

ClinVar aggregate classification (germline): Uncertain significance (1 of 4 stars; one submission).

Conditions:
Leukodystrophy, hypomyelinating, 7, with or without oligodontia and/or hypogonadotropic hypogonadism (HLD7). Also called: LEUKODYSTROPHY, HYPOMYELINATING, 7, WITHOUT OLIGODONTIA OR HYPOGONADOTROPIC HYPOGONADISM; Ataxia, Delayed Dentition and Hypomyelination (ADDH); LEUKOENCEPHALOPATHY, HYPOMYELINATING, WITH ATAXIA AND DELAYED DENTITION; ATAXIA, DELAYED DENTITION, AND HYPOMYELINATION; LEUKODYSTROPHY, HYPOMYELINATING, 7, WITH OLIGODONTIA; LEUKODYSTROPHY, HYPOMYELINATING, 7, WITH OLIGODONTIA AND HYPOGONADOTROPIC HYPOGONADISM. Identifiers: Orphanet 137639, Orphanet 447893, Orphanet 447896, Orphanet 77295, Orphanet 88637, MedGen CN034185, MONDO:0011897, OMIM 607694.

Submission:

MVZ Medizinische Genetik Mainz
Classification: Uncertain significance for Leukodystrophy, hypomyelinating, 7, with or without oligodontia and/or hypogonadotropic hypogonadism. Last evaluated: 2024-10-04. Review status: criteria provided, single submitter. Criteria: UK Practice Guidelines For Variant Classification V4 01 2020. Collection method: clinical testing. Allele origin: germline. Inheritance: Autosomal recessive inheritance. Affected: yes. Observed: 1 variant allele.
Comment: ACMG Criteria: PP3_MOD

NM_007055.4(POLR3A):c.2050G>C (p.Ala684Pro)

Gene: POLR3A (RNA polymerase III subunit A; minus strand). Cytogenetic location: 10q22.3.
Variant type: single nucleotide variant.
Coding change: c.2050G>C on transcript NM_007055.4 (MANE Select); coding-DNA position 2050, G replaced by C.
Protein change: p.Ala684Pro; replaces alanine 684 with proline.
Molecular consequence: missense variant.
Genome position (GRCh38, 1-based): chr10:78,007,726, C>G on the plus strand (G>C on the coding strand, the complement: POLR3A is on the minus strand). VCF-style: chr10-78007726-C-G. GRCh37 (hg19) VCF-style: chr10-79767484-C-G.
Other names: short protein forms A684P.
Identifiers: ClinVar variation 3370351 (VCV003370351.1).
Genomic context (GRCh38, chr10:78,007,726, plus strand): 5'-CAGCTTTAACTAAAAGAAGGATGCTGAGATACTTACACAGGTAGACAGGAGCCAGCCTGG[C>G]GAGCCGTGACATGGCATCTGCAGCTTCATTCTGTCCCCAGTCTCGCAGCAAAATGTAAAA-3'
Protein context (NP_008986.2, residues 674-694): NEAADAMSRL[Ala684Pro]RLAPVYLSNR